The following is an entry in ClinVar:

NM_024675.4(PALB2):c.739A>G (p.Thr247Ala)

Gene: PALB2 (partner and localizer of BRCA2; minus strand). Cytogenetic location: 16p12.2.
Variant type: single nucleotide variant.
Coding change: c.739A>G on transcript NM_024675.4 (MANE Select); coding-DNA position 739, A replaced by G.
Protein change: p.Thr247Ala; replaces threonine 247 with alanine.
Molecular consequence: missense variant.
Genome position (GRCh38, 1-based): chr16:23,635,807, T>C on the plus strand (A>G on the coding strand, the complement: PALB2 is on the minus strand). VCF-style: chr16-23635807-T-C. GRCh37 (hg19) VCF-style: chr16-23647128-T-C.
Other names: short protein forms T247A.
Identifiers: ClinVar variation 186559 (VCV000186559.18), dbSNP rs786203040, ClinGen allele CA195172.

ClinVar aggregate classification (germline): Conflicting classifications of pathogenicity. Review status: criteria provided, conflicting classifications (1 of 4 stars). 7 submissions from 7 submitters: Uncertain significance (6); Likely benign (1). Last evaluated 2026-08-06.

Conditions:
Monogenic short statue.
Hereditary cancer-predisposing syndrome. Also called: Tumor predisposition; Hereditary neoplastic syndrome; Neoplastic Syndromes, Hereditary; Hereditary Cancer Syndrome. Identifiers: Orphanet 140162, MedGen C0027672, MeSH D009386, MONDO:0015356.
Familial cancer of breast. Also called: Hereditary breast cancer; hereditary breast carcinoma; BREAST CANCER, FAMILIAL. Identifiers: Orphanet 227535, MedGen C0346153, MONDO:0016419, OMIM 114480. Disease mechanism: loss of function.
Fanconi anemia complementation group N. Also called: PALB2-Related Fanconi Anemia. Identifiers: Orphanet 84, MedGen C1835817, MONDO:0012565, OMIM 610832. Disease mechanism: loss of function.
Pancreatic cancer, susceptibility to, 3. Identifiers: Orphanet 1333, MedGen C3150547, MONDO:0013236, OMIM 613348.

Allele frequency attached by ClinVar (database versions not stated): TOPMed below 0.00001; gnomAD 0.00001; gnomAD exomes 0.00001.
gnomAD v4.1: 11 of 1,614,076 alleles (0.00068%); highest among the groups gnomAD compares: East Asian, 0.0022%; no homozygotes.

Submissions (7):

NHS Central & South Genomic Laboratory Hub
Classification: Uncertain significance for Monogenic short statue. Last evaluated: 2026-08-06. Review status: criteria provided, single submitter. Criteria: ACMG Guidelines, 2015. Collection method: clinical testing. Allele origin: germline. Affected: yes.

Color Diagnostics, LLC DBA Color Health
Classification: Uncertain significance for Hereditary cancer-predisposing syndrome. Last evaluated: 2025-02-03. Review status: criteria provided, single submitter. Criteria: ACMG Guidelines, 2015. Collection method: clinical testing. Allele origin: germline.
Comment: This missense variant replaces threonine with alanine at codon 247 of the PALB2 protein. Computational prediction suggests that this variant may not impact protein structure and function. To our knowledge, functional studies have not been reported for this variant. This variant has been reported in at least two individuals affected with breast cancer (PMID: 28779002, 31159747, 33471991; Leiden Open Variation Database DB-ID PALB2_011132). This variant has not been identified in the general population by the Genome Aggregation Database (gnomAD). The available evidence is insufficient to determine the role of this variant in disease conclusively. Therefore, this variant is classified as a Variant of Uncertain Significance.

Labcorp Genetics (formerly Invitae), Labcorp
Classification: Uncertain significance for Familial cancer of breast. Last evaluated: 2024-10-29. Review status: criteria provided, single submitter. Criteria: Invitae Variant Classification Sherloc (09022015). Collection method: clinical testing. Allele origin: germline.
Comment: This sequence change replaces threonine, which is neutral and polar, with alanine, which is neutral and non-polar, at codon 247 of the PALB2 protein (p.Thr247Ala). This variant is not present in population databases (gnomAD no frequency). This missense change has been observed in individual(s) with clinical features of PALB2-related conditions (PMID: 31159747). ClinVar contains an entry for this variant (Variation ID: 186559). An algorithm developed to predict the effect of missense changes on protein structure and function outputs the following: PolyPhen-2: "Benign". The alanine amino acid residue is found in multiple mammalian species, which suggests that this missense change does not adversely affect protein function. In summary, the available evidence is currently insufficient to determine the role of this variant in disease. Therefore, it has been classified as a Variant of Uncertain Significance.

Ambry Genetics
Classification: Likely benign for Hereditary cancer-predisposing syndrome. Last evaluated: 2024-03-21. Review status: criteria provided, single submitter. Criteria: Ambry Variant Classification Scheme 2023. Collection method: clinical testing. Allele origin: germline.

Fulgent Genetics
Classification: Uncertain significance for Familial cancer of breast; Fanconi anemia complementation group N; Pancreatic cancer, susceptibility to, 3. Last evaluated: 2022-01-26. Review status: criteria provided, single submitter. Criteria: ACMG Guidelines, 2015. Collection method: clinical testing. Allele origin: unknown.

Sema4
Classification: Uncertain significance for Hereditary cancer-predisposing syndrome. Last evaluated: 2021-09-07. Review status: criteria provided, single submitter. Criteria: Sema4 Curation Guidelines. Collection method: curation. Allele origin: germline.
Comment: The PALB2 c.739A>G (p.T247A) variant has been reported in individuals with personal or family history of breast and/or ovarian cancer (PMID: 31159747, 28779002, 33471991). It was not observed in the large and broad cohorts of the Genome Aggregation Database (PMID: 32461654). The variant has been reported in ClinVar (Variation ID 186559). Functional studies have not been performed, and in silico predictions of the variant's effect on protein function are inconclusive. The evidence is insufficient to meet ACMG/AMP criteria for classifying the variant as benign or pathogenic. Thus, the clinical significance of this variant is currently uncertain.

GeneKor MSA
Classification: Uncertain significance for Hereditary cancer-predisposing syndrome. Last evaluated: 2018-08-01. Review status: criteria provided, single submitter. Criteria: ACMG Guidelines, 2015. Collection method: clinical testing. Allele origin: germline. Affected: yes.

Literature cited by the submitters: PubMed 28779002 (cited by 3 submitters); PubMed 31159747 (cited by 4 submitters); PubMed 33471991 (cited by Color Diagnostics, LLC DBA Color Health and Sema4).